The following is an entry in ClinVar:

ClinVar aggregate classification (germline): Uncertain significance. Review status: criteria provided, multiple submitters, no conflicts (2 of 4 stars). 3 submissions from 3 submitters: Uncertain significance (3). Last evaluated 2024-06-25.

Conditions:
Long QT syndrome (LQTS). Identifiers: MedGen C0023976, MeSH D008133, MONDO:0002442. Disease mechanism: loss of function. Inheritance: Various modes of inheritance.

Allele frequency attached by ClinVar (database versions not stated): gnomAD exomes 0.00001; TOPMed 0.00002; gnomAD 0.00003.
gnomAD v4.1: 12 of 1,611,130 alleles (0.00074%); highest among the groups gnomAD compares: Non-Finnish European, 0.00093%; no homozygotes.

Submissions (3):

Blueprint Genetics
Classification: Uncertain significance. Last evaluated: 2024-06-25. Review status: criteria provided, single submitter. Criteria: ACMG Guidelines, 2015. Collection method: clinical testing. Allele origin: germline.

GeneDx
Classification: Uncertain significance. Last evaluated: 2023-11-06. Review status: criteria provided, single submitter. Criteria: GeneDx Variant Classification Process June 2021. Collection method: clinical testing. Allele origin: germline. Affected: yes.
Comment: Has not been previously published as pathogenic or benign to our knowledge; Not observed at significant frequency in large population cohorts (gnomAD); Missense variants in this gene are a common cause of disease and they are underrepresented in the general population; In silico analysis supports that this missense variant has a deleterious effect on protein structure/function; This variant is associated with the following publications: (PMID: 25630502)

Labcorp Genetics (formerly Invitae), Labcorp
Classification: Uncertain significance for Long QT syndrome. Last evaluated: 2023-10-13. Review status: criteria provided, single submitter. Criteria: Invitae Variant Classification Sherloc (09022015). Collection method: clinical testing. Allele origin: germline.
Comment: This sequence change replaces glutamic acid, which is acidic and polar, with valine, which is neutral and non-polar, at codon 150 of the CAV3 protein (p.Glu150Val). This variant is present in population databases (rs730880423, gnomAD 0.003%). This variant has not been reported in the literature in individuals affected with CAV3-related conditions. ClinVar contains an entry for this variant (Variation ID: 180802). An algorithm developed to predict the effect of missense changes on protein structure and function (PolyPhen-2) suggests that this variant is likely to be disruptive. In summary, the available evidence is currently insufficient to determine the role of this variant in disease. Therefore, it has been classified as a Variant of Uncertain Significance.

NM_033337.3(CAV3):c.449A>T (p.Glu150Val)

Genes: CAV3 (caveolin 3; plus strand), OXTR (oxytocin receptor; minus strand). Cytogenetic location: 3p25.3.
Variant type: single nucleotide variant.
Coding change: c.449A>T on transcript NM_033337.3 (MANE Select); coding-DNA position 449, A replaced by T.
Protein change: p.Glu150Val; replaces glutamic acid 150 with valine.
Molecular consequence: missense variant.
Genome position (GRCh38, 1-based): chr3:8,745,860, A>T. VCF-style: chr3-8745860-A-T. GRCh37 (hg19) VCF-style: chr3-8787546-A-T.
Other names: p.E150V:GAG>GTG; c.449A>T, p.Glu150Val (NM_001234.5); short protein forms E150V.
Identifiers: ClinVar variation 180802 (VCV000180802.8), dbSNP rs730880423, ClinGen allele CA295953.